The following is an entry in ClinVar:

ClinVar aggregate classification (germline): Uncertain significance (1 of 4 stars; one submission).

Submission:

Labcorp Genetics (formerly Invitae), Labcorp
Classification: Uncertain significance. Last evaluated: 2024-02-01. Review status: criteria provided, single submitter. Criteria: Invitae Variant Classification Sherloc (09022015). Collection method: clinical testing. Allele origin: germline.
Comment: This sequence change creates a premature translational stop signal (p.Met494Ilefs*3) in the SLC7A14 gene. It is expected to result in an absent or disrupted protein product. However, the current clinical and genetic evidence is not sufficient to establish whether loss-of-function variants in SLC7A14 cause disease. This variant is not present in population databases (gnomAD no frequency). This variant has not been reported in the literature in individuals affected with SLC7A14-related conditions. In summary, the available evidence is currently insufficient to determine the role of this variant in disease. Therefore, it has been classified as a Variant of Uncertain Significance.

NM_020949.3(SLC7A14):c.1482del (p.Met494fs)

Genes: SLC7A14 (solute carrier family 7 member 14; minus strand), SLC7A14-AS1 (SLC7A14 antisense RNA 1; plus strand). Cytogenetic location: 3q26.2.
Variant type: Deletion.
Coding change: c.1482del on transcript NM_020949.3 (MANE Select); coding-DNA position 1482, one base deleted (G; older notation c.1482delG).
Protein change: p.Met494fs; shifts the reading frame from methionine 494.
Molecular consequence: frameshift variant.
Genome position (GRCh38, 1-based): chr3:170,480,800, C deleted on the plus strand (G on the coding strand, the reverse complement: SLC7A14 is on the minus strand). VCF-style (leftmost placement, unchanged base first): chr3-170480799-GC-G. GRCh37 (hg19) VCF-style: chr3-170198588-GC-G.
Other names: short protein forms M494fs.
Identifiers: ClinVar variation 2705524 (VCV002705524.3), dbSNP rs2473367757, ClinGen allele CA2697556980.